The following is an entry in ClinVar:

ClinVar aggregate classification (germline): Uncertain significance. Review status: criteria provided, multiple submitters, no conflicts (2 of 4 stars). 3 submissions from 3 submitters: Uncertain significance (3). Last evaluated 2023-04-11.

Conditions:
Inborn genetic diseases. Identifiers: MedGen C0950123, MeSH D030342.
Juvenile onset Parkinson disease 19A. Also called: DNAJC6 Parkinson Disease; PARK19. Identifiers: Orphanet 391411, MedGen C3809811, MONDO:0014231, OMIM 615528.

Allele frequency attached by ClinVar (database versions not stated): gnomAD exomes below 0.00001 and 0.00001; gnomAD 0.00001; TOPMed 0.00003.
gnomAD v4.1: 6 of 1,613,954 alleles (0.00037%); highest among the groups gnomAD compares: African/African-American, 0.0013%; no homozygotes.

Submissions (3):

Genome-Nilou Lab
Classification: Uncertain significance for Juvenile onset Parkinson disease 19A. Last evaluated: 2023-04-11. Review status: criteria provided, single submitter. Criteria: ACMG Guidelines, 2015. Collection method: clinical testing. Allele origin: germline. Affected: no.

Ambry Genetics
Classification: Uncertain significance for Inborn genetic diseases. Last evaluated: 2022-11-17. Review status: criteria provided, single submitter. Criteria: Ambry Variant Classification Scheme 2023. Collection method: clinical testing. Allele origin: germline.

Labcorp Genetics (formerly Invitae), Labcorp
Classification: Uncertain significance for Juvenile onset Parkinson disease 19A. Last evaluated: 2022-08-23. Review status: criteria provided, single submitter. Criteria: Invitae Variant Classification Sherloc (09022015). Collection method: clinical testing. Allele origin: germline.
Comment: This sequence change replaces proline, which is neutral and non-polar, with leucine, which is neutral and non-polar, at codon 549 of the DNAJC6 protein (p.Pro549Leu). This variant is present in population databases (no rsID available, gnomAD 0.0009%). This variant has not been reported in the literature in individuals affected with DNAJC6-related conditions. ClinVar contains an entry for this variant (Variation ID: 1418472). Algorithms developed to predict the effect of missense changes on protein structure and function are either unavailable or do not agree on the potential impact of this missense change (SIFT: "Deleterious"; PolyPhen-2: "Benign"; Align-GVGD: "Class C0"). In summary, the available evidence is currently insufficient to determine the role of this variant in disease. Therefore, it has been classified as a Variant of Uncertain Significance.

NM_001256864.2(DNAJC6):c.1646C>T (p.Pro549Leu)

Gene: DNAJC6 (DnaJ heat shock protein family (Hsp40) member C6; plus strand). Cytogenetic location: 1p31.3.
Variant type: single nucleotide variant.
Coding change: c.1646C>T on transcript NM_001256864.2 (MANE Select); coding-DNA position 1646, C replaced by T.
Protein change: p.Pro549Leu; replaces proline 549 with leucine.
Molecular consequence: missense variant.
Genome position (GRCh38, 1-based): chr1:65,392,608, C>T. VCF-style: chr1-65392608-C-T. GRCh37 (hg19) VCF-style: chr1-65858291-C-T.
Other names: c.1436C>T, p.Pro479Leu (NM_001256865.2); c.1475C>T, p.Pro492Leu (NM_014787.4); c.1475C>T (NM_014787.2); short protein forms P492L, P479L, P549L.
Identifiers: ClinVar variation 1418472 (VCV001418472.6), dbSNP rs1230286867, ClinGen allele CA340688009.